The following is an entry in ClinVar:

NM_000421.5(KRT10):c.1654_1683dup (p.Gly556_Gly565dup)

Gene: KRT10 (keratin 10; minus strand). Cytogenetic location: 17q21.2.
Variant type: Duplication.
Coding change: c.1654_1683dup on transcript NM_000421.5 (MANE Select); coding-DNA positions 1654 to 1683, 30 bases duplicated (AGCTCCGGCGGCGGATACGGCGGCGGCAGC).
Protein change: p.Gly556_Gly565dup.
Molecular consequence: inframe insertion.
Genome position (GRCh38, 1-based): chr17:40,818,852-40,818,881, GCTGCCGCCGCCGTATCCGCCGCCGGAGCT duplicated on the plus strand (AGCTCCGGCGGCGGATACGGCGGCGGCAGC on the coding strand, the reverse complement: KRT10 is on the minus strand); duplicating any 30 consecutive bases within chr17:40,818,852-40,818,894 gives the same sequence; the c. name uses the placement nearest the transcript's 3' end. VCF-style (leftmost placement, unchanged base first): chr17-40818851-A-AGCTGCCGCCGCCGTATCCGCCGCCGGAGCT. GRCh37 (hg19) VCF-style: chr17-38975103-A-AGCTGCCGCCGCCGTATCCGCCGCCGGAGCT.
Other names: c.1654_1683dup, p.Gly556_Gly565dup (NM_001379366.1).
Identifiers: ClinVar variation 516735 (VCV000516735.14), dbSNP rs776920005, ClinGen allele CA8547896.
Genomic context (GRCh38, chr17:40,818,851, plus strand): 5'-GTCCCTTAGATGAAGACTCGCCCACGGACCCGGAAGAGGAGGACTTGTGGCCTCCGCTGG[A>AGCTGCCGCCGCCGTATCCGCCGCCGGAGCT]GCTGCCGCCGCCGTATCCGCCGCCGGAGCTGCTGCCGCCGCCGGAGCTGCCGCCCCCGTA-3'

ClinVar aggregate classification (germline): Benign/Likely benign. Review status: criteria provided, multiple submitters, no conflicts (2 of 4 stars). 5 submissions from 5 submitters: Benign (1); Likely benign (3). 1 of the submissions does not count toward it. Last evaluated 2026-02-02.

Conditions:
KRT10-related disorder. Also called: KRT10-related condition.
Congenital reticular ichthyosiform erythroderma (IWC). Also called: ICHTHYOSIS WITH CONFETTI. Identifiers: Orphanet 281190, MedGen C3665704, MONDO:0012208, OMIM 609165.
Epidermolytic ichthyosis. Also called: Epidermolytic Hyperkeratosis; Congenital bullous ichthyosiform erythroderma; Bullous ichthyosiform erythroderma; KRT10-Related Epidermolytic Hyperkeratosis. Identifiers: Orphanet 312, MedGen C0079153, MONDO:0007239, HP:0007475.
Annular epidermolytic ichthyosis. Identifiers: Orphanet 281139, MedGen C1843463, MONDO:0011870.

Submissions (5):

Labcorp Genetics (formerly Invitae), Labcorp
Classification: Likely benign. Last evaluated: 2026-02-02. Review status: criteria provided, single submitter. Criteria: Invitae Variant Classification Sherloc (09022015). Collection method: clinical testing. Allele origin: germline.

Laboratory of Genetics, Children's Clinical University Hospital Latvia
Classification: Likely benign. Last evaluated: 2025-02-16. Review status: criteria provided, single submitter. Criteria: ACMG Guidelines, 2015. Collection method: clinical testing. Allele origin: germline. Affected: yes.

Fulgent Genetics
Classification: Benign for Epidermolytic hyperkeratosis 1; Ichthyosis, annular epidermolytic 1; Congenital reticular ichthyosiform erythroderma. Last evaluated: 2021-08-11. Review status: criteria provided, single submitter. Criteria: ACMG Guidelines, 2015. Collection method: clinical testing. Allele origin: unknown.

GeneDx
Classification: Likely benign. Last evaluated: 2018-01-14. Review status: criteria provided, single submitter. Criteria: GeneDx Variant Classification (06012015). Collection method: clinical testing. Allele origin: germline. Affected: yes.
Comment: This variant is considered likely benign or benign based on one or more of the following criteria: it is a conservative change, it occurs at a poorly conserved position in the protein, it is predicted to be benign by multiple in silico algorithms, and/or has population frequency not consistent with disease.

PreventionGenetics, part of Exact Sciences
Classification: Benign for KRT10-related condition. Last evaluated: 2020-05-05. Review status: no assertion criteria provided. Collection method: clinical testing. Allele origin: germline. Not counted in ClinVar's aggregate classification.
Comment: This variant is classified as benign based on ACMG/AMP sequence variant interpretation guidelines (Richards et al. 2015 PMID: 25741868, with internal and published modifications).